The following is an entry in ClinVar:

ClinVar aggregate classification (germline): Likely pathogenic (1 of 4 stars; one submission).

Allele frequency attached by ClinVar (database versions not stated): gnomAD 0.00001; ExAC 0.00002.
gnomAD v4.1: 11 of 1,606,244 alleles (0.00068%); highest among the groups gnomAD compares: Admixed American, 0.017%; no homozygotes.

Submission:

Labcorp Genetics (formerly Invitae), Labcorp
Classification: Likely pathogenic. Last evaluated: 2024-01-08. Review status: criteria provided, single submitter. Criteria: Invitae Variant Classification Sherloc (09022015). Collection method: clinical testing. Allele origin: germline.
Comment: This sequence change affects a donor splice site in intron 12 of the EPRS gene. It is expected to disrupt RNA splicing. Variants that disrupt the donor or acceptor splice site typically lead to a loss of protein function (PMID: 16199547), and loss-of-function variants in EPRS are known to be pathogenic (PMID: 29576217). This variant is present in population databases (rs377639302, gnomAD 0.03%). This variant has not been reported in the literature in individuals affected with EPRS-related conditions. ClinVar contains an entry for this variant (Variation ID: 1979486). Algorithms developed to predict the effect of sequence changes on RNA splicing suggest that this variant may disrupt the consensus splice site. In summary, the currently available evidence indicates that the variant is pathogenic, but additional data are needed to prove that conclusively. Therefore, this variant has been classified as Likely Pathogenic.

Literature cited by the submitters: PubMed 16199547; PubMed 29576217.

NM_004446.3(EPRS1):c.1494+1G>T

Gene: EPRS1 (glutamyl-prolyl-tRNA synthetase 1; minus strand). Cytogenetic location: 1q41.
Variant type: single nucleotide variant.
Coding change: c.1494+1G>T on transcript NM_004446.3 (MANE Select); the canonical splice donor site of the intron after coding-DNA position 1494, G replaced by T.
Molecular consequence: splice donor variant.
Genome position (GRCh38, 1-based): chr1:220,018,448, C>A on the plus strand (G>T on the coding strand, the complement: EPRS1 is on the minus strand). VCF-style: chr1-220018448-C-A. GRCh37 (hg19) VCF-style: chr1-220191790-C-A.
Identifiers: ClinVar variation 1979486 (VCV001979486.4), dbSNP rs377639302, ClinGen allele CA1400282.